The following is an entry in ClinVar:

NM_015346.4(ZFYVE26):c.1054_1055insTGTCTCTTATACACAT (p.Pro352fs)

Gene: ZFYVE26 (zinc finger FYVE-type containing 26; minus strand). Cytogenetic location: 14q24.1.
Variant type: Insertion.
Coding change: c.1054_1055insTGTCTCTTATACACAT on transcript NM_015346.4 (MANE Select); coding-DNA positions 1054 to 1055, TGTCTCTTATACACAT inserted.
Protein change: p.Pro352fs; shifts the reading frame from proline 352.
Molecular consequence: frameshift variant.
Genome position: GRCh38 VCF-style: chr14-67805581-G-GATGTGTATAAGAGACA. GRCh37 (hg19) VCF-style: chr14-68272298-G-GATGTGTATAAGAGACA.
Other names: short protein forms P352fs.
Identifiers: ClinVar variation 1725864 (VCV001725864.2), dbSNP rs2502874707, ClinGen allele CA2580088700.

ClinVar aggregate classification (germline): Likely pathogenic (1 of 4 stars; one submission).

Conditions:
Hereditary spastic paraplegia 15 (SPG15). Also called: SPASTIC PARAPLEGIA 15, AUTOSOMAL RECESSIVE; KJELLIN SYNDROME; SPASTIC PARAPLEGIA AND RETINAL DEGENERATION. Identifiers: Orphanet 100996, MedGen C1849128, MONDO:0010044, OMIM 270700.

Submission:

Myriad Genetics, Inc.
Classification: Likely pathogenic for Hereditary spastic paraplegia 15. Last evaluated: 2021-12-08. Review status: criteria provided, single submitter. Criteria: Myriad Women's Health Autosomal Recessive and X-Linked Classification Criteria (2021). Collection method: clinical testing. Allele origin: unknown.
Comment: NM_015346.3(ZFYVE26):c.1054_1055ins16(P352Lfs*13) is expected to be pathogenic in the context of spastic paraplegia type 15. This variant is predicted to lead to an abnormal or absent protein product due to the creation of a premature termination codon in ZFYVE26, a gene where loss-of-function variants are known to be pathogenic. Please note: this variant was assessed in the context of healthy population screening.